The following is an entry in ClinVar:

NM_000271.5(NPC1):c.494C>T (p.Ala165Val)

Gene: NPC1 (NPC intracellular cholesterol transporter 1; minus strand). Cytogenetic location: 18q11.2.
Variant type: single nucleotide variant.
Coding change: c.494C>T on transcript NM_000271.5 (MANE Select); coding-DNA position 494, C replaced by T.
Protein change: p.Ala165Val; replaces alanine 165 with valine.
Molecular consequence: missense variant.
Genome position (GRCh38, 1-based): chr18:23,561,497, G>A on the plus strand (C>T on the coding strand, the complement: NPC1 is on the minus strand). VCF-style: chr18-23561497-G-A. GRCh37 (hg19) VCF-style: chr18-21141461-G-A.
Other names: short protein forms A165V.
Identifiers: ClinVar variation 1303147 (VCV001303147.3), dbSNP rs1555638953, ClinGen allele CA401782865.
Genomic context (GRCh38, chr18:23,561,497, plus strand): 5'-TTACAGGCGTCAGCGTCCTTCCCACACAGGAGTCCCAGGGCCTTGTCATTACTTGAGGGG[G>A]CCTCCACATCCCGGCAGGCATTGTACATTGCTAGAAGAGGAAACCCAAAGGAAAAAGGAG-3'
Protein context (NP_000262.2, residues 155-175): AMYNACRDVE[Ala165Val]PSSNDKALGL

ClinVar aggregate classification (germline): Uncertain significance. Review status: criteria provided, multiple submitters, no conflicts (2 of 4 stars). 2 submissions from 2 submitters: Uncertain significance (2). Last evaluated 2024-12-03.

gnomAD v4.1: 10 of 1,614,092 alleles (0.00062%); highest among the groups gnomAD compares: South Asian, 0.0011%; no homozygotes.

Submissions (2):

Women's Health and Genetics/Laboratory Corporation of America, LabCorp
Classification: Uncertain significance. Last evaluated: 2024-12-03. Review status: criteria provided, single submitter. Criteria: LabCorp Variant Classification Summary - May 2015. Collection method: clinical testing. Allele origin: germline.
Comment: Variant summary: NPC1 c.494C>T (p.Ala165Val) results in a non-conservative amino acid change located in the NPC1, middle luminal domain (IPR053956) of the encoded protein sequence. Three of five in-silico tools predict a benign effect of the variant on protein function. The variant was absent in 251460 control chromosomes. The available data on variant occurrences in the general population are insufficient to allow any conclusion about variant significance. c.494C>T has been reported in the literature in a compound heterozygous individual affected with Niemann-Pick Disease Type C (Takamura_2013). These data do not allow any conclusion about variant significance. To our knowledge, no experimental evidence demonstrating an impact on protein function has been reported. The following publication have been ascertained in the context of this evaluation (PMID: 24001525). ClinVar contains an entry for this variant (Variation ID: 1303147). Based on the evidence outlined above, the variant was classified as uncertain significance.

GeneDx
Classification: Uncertain significance. Last evaluated: 2021-03-24. Review status: criteria provided, single submitter. Criteria: GeneDx Variant Classification Process June 2021. Collection method: clinical testing. Allele origin: germline. Affected: yes.
Comment: Not observed in large population cohorts (Lek et al., 2016); In silico analysis supports that this missense variant does not alter protein structure/function; This variant is associated with the following publications: (PMID: 24001525)

Literature cited by the submitters: PubMed 24001525 (cited by Women's Health and Genetics/Laboratory Corporation of America, LabCorp).